The following is an entry in ClinVar:

NM_020821.3(VPS13C):c.385+1G>T

Gene: VPS13C (vacuolar protein sorting 13 homolog C; minus strand). Cytogenetic location: 15q22.2.
Variant type: single nucleotide variant.
Coding change: c.385+1G>T on transcript NM_020821.3 (MANE Select); the canonical splice donor site of the intron after coding-DNA position 385, G replaced by T.
Molecular consequence: splice donor variant.
Genome position (GRCh38, 1-based): chr15:62,033,440, C>A on the plus strand (G>T on the coding strand, the complement: VPS13C is on the minus strand). VCF-style: chr15-62033440-C-A. GRCh37 (hg19) VCF-style: chr15-62325639-C-A.
Other names: c.385+1G>T (NM_017684.5, NM_018080.4, NM_001018088.3).
Identifiers: ClinVar variation 3629695 (VCV003629695.1).

ClinVar aggregate classification (germline): Likely pathogenic (1 of 4 stars; one submission).

Conditions:
Autosomal recessive early-onset Parkinson disease 23. Identifiers: Orphanet 2828, MedGen C4225186, MONDO:0014796, OMIM 616840.

Submission:

Women's Health and Genetics/Laboratory Corporation of America, LabCorp
Classification: Likely pathogenic for Autosomal recessive early-onset Parkinson disease 23. Last evaluated: 2024-11-12. Review status: criteria provided, single submitter. Criteria: LabCorp Variant Classification Summary - May 2015. Collection method: clinical testing. Allele origin: germline.
Comment: Variant summary: VPS13C c.385+1G>T is located in a canonical splice-site and is predicted to affect mRNA splicing resulting in a significantly altered protein due to either exon skipping, shortening, or inclusion of intronic material. Variants that disrupt the consensus splice site are a relatively common cause of aberrant splicing and loss of VPS13C function. Several computational tools predict a significant impact on normal splicing: Four predict the variant abolishes a 5' splicing donor site. However, these predictions have yet to be confirmed by functional studies. The variant was absent in 228890 control chromosomes (gnomAD). To our knowledge, no occurrence of c.385+1G>T in individuals affected with Parkinson Disease 23, Autosomal Recessive Early-Onset and no experimental evidence demonstrating its impact on protein function have been reported. No submitters have cited clinical-significance assessments for this variant to ClinVar. Based on the evidence outlined above, the variant was classified as likely pathogenic.